The following is an entry in ClinVar:

NM_001164508.2(NEB):c.24158T>C (p.Ile8053Thr)

Genes: NEB (nebulin; minus strand), RIF1 (replication timing regulatory factor 1; plus strand). Cytogenetic location: 2q23.3.
Variant type: single nucleotide variant.
Coding change: c.24158T>C on transcript NM_001164508.2 (MANE Select); coding-DNA position 24158, T replaced by C.
Protein change: p.Ile8053Thr; replaces isoleucine 8053 with threonine.
Molecular consequence: missense variant. On other transcripts: intron variant (1).
Genome position (GRCh38, 1-based): chr2:151,498,309, A>G on the plus strand (T>C on the coding strand, the complement: NEB is on the minus strand). VCF-style: chr2-151498309-A-G. GRCh37 (hg19) VCF-style: chr2-152354823-A-G.
Other names: c.24158T>C, p.Ile8053Thr (NM_001164507.2); c.24263T>C, p.Ile8088Thr (NM_001271208.2); c.18826-1941T>C (NM_004543.5); short protein forms I8088T, I8053T.
Identifiers: ClinVar variation 864048 (VCV000864048.7), dbSNP rs2061739053, ClinGen allele CA348779245.

ClinVar aggregate classification (germline): Uncertain significance (1 of 4 stars; one submission).

Conditions:
Nemaline myopathy 2 (NEM2). Also called: Nemaline myopathy 2, autosomal recessive. Identifiers: MedGen C1850569, MONDO:0009725, OMIM 256030.

Allele frequency attached by ClinVar (database versions not stated): TOPMed below 0.00001; gnomAD exomes 0.00002.
gnomAD v4.1: 24 of 1,551,438 alleles (0.0015%); highest among the groups gnomAD compares: Non-Finnish European, 0.0019%; no homozygotes.

Submission:

Labcorp Genetics (formerly Invitae), Labcorp
Classification: Uncertain significance for Nemaline myopathy 2. Last evaluated: 2021-08-26. Review status: criteria provided, single submitter. Criteria: Invitae Variant Classification Sherloc (09022015). Collection method: clinical testing. Allele origin: germline.
Comment: This sequence change replaces isoleucine with threonine at codon 8088 of the NEB protein (p.Ile8088Thr). The isoleucine residue is weakly conserved and there is a moderate physicochemical difference between isoleucine and threonine. This variant is not present in population databases (ExAC no frequency). This variant has not been reported in the literature in individuals affected with NEB-related conditions. Algorithms developed to predict the effect of missense changes on protein structure and function are either unavailable or do not agree on the potential impact of this missense change (SIFT: "Deleterious"; PolyPhen-2: "Not Available"; Align-GVGD: "Class C0"). In summary, the available evidence is currently insufficient to determine the role of this variant in disease. Therefore, it has been classified as a Variant of Uncertain Significance.